The following is an entry in ClinVar:

ClinVar aggregate classification (germline): Conflicting classifications of pathogenicity. Review status: criteria provided, conflicting classifications (1 of 4 stars). 5 submissions from 5 submitters: Uncertain significance (3); Likely benign (2). Last evaluated 2026-01-17.

Conditions:
DOK7-related disorder. Also called: DOK7-related condition.
Inborn genetic diseases. Identifiers: MedGen C0950123, MeSH D030342.
Congenital myasthenic syndrome 10. Also called: Myasthenia, limb-girdle, familial. Identifiers: Orphanet 590, MedGen C1850792, MONDO:0009690, OMIM 254300.
Fetal akinesia deformation sequence 1 (FADS1). Also called: Fetal akinesia sequence; Pena-Shokeir syndrome type I. Identifiers: Orphanet 994, MedGen C1276035, MONDO:0100101, OMIM 208150, HP:0001989.

Allele frequency attached by ClinVar (database versions not stated): gnomAD exomes 0.00005 and 0.00017; ExAC 0.00015; 1000 Genomes Project 30x 0.00016; 1000 Genomes Project 0.00020; gnomAD 0.00060 and 0.00063; ESP Exome Variant Server 0.00063; TOPMed 0.00066.

Submissions (5):

Labcorp Genetics (formerly Invitae), Labcorp
Classification: Likely benign for Congenital myasthenic syndrome 10; Fetal akinesia deformation sequence 1. Last evaluated: 2026-01-17. Review status: criteria provided, single submitter. Criteria: Invitae Variant Classification Sherloc (09022015). Collection method: clinical testing. Allele origin: germline.

Ambry Genetics
Classification: Uncertain significance for Inborn genetic diseases. Last evaluated: 2025-10-06. Review status: criteria provided, single submitter. Criteria: Ambry Variant Classification Scheme 2023. Collection method: clinical testing. Allele origin: germline.
Comment: The c.202G>A (p.G68S) alteration is located in exon 3 (coding exon 3) of the DOK7 gene. This alteration results from a G to A substitution at nucleotide position 202, causing the glycine (G) at amino acid position 68 to be replaced by a serine (S). Based on data from gnomAD, the A allele has an overall frequency of 0.02% (55/279314) total alleles studied. The highest observed frequency was 0.171% (41/24038) of African alleles. Based on insufficient or conflicting evidence, the clinical significance of this alteration remains unclear.

PreventionGenetics, part of Exact Sciences
Classification: Likely benign for DOK7-related condition. Last evaluated: 2025-09-11. Review status: criteria provided, single submitter. Criteria: ACMG Guidelines, 2015. Collection method: clinical testing. Allele origin: germline.
Comment: This variant is classified as likely benign based on ACMG/AMP sequence variant interpretation guidelines (Richards et al. 2015 PMID: 25741868, with internal and published modifications).

Revvity Omics, Revvity
Classification: Uncertain significance. Last evaluated: 2019-10-08. Review status: criteria provided, single submitter. Criteria: ACMG Guidelines, 2015. Collection method: clinical testing. Allele origin: germline.

Eurofins Ntd Llc (ga)
Classification: Uncertain significance. Last evaluated: 2018-05-29. Review status: criteria provided, single submitter. Criteria: EGL ClinVar v180209 classification definitions. Collection method: clinical testing. Allele origin: germline. Observed: 1 variant allele, 1 heterozygote.

NM_173660.5(DOK7):c.202G>A (p.Gly68Ser)

Gene: DOK7 (docking protein 7; plus strand). Cytogenetic location: 4p16.3.
Variant type: single nucleotide variant.
Coding change: c.202G>A on transcript NM_173660.5 (MANE Select); coding-DNA position 202, G replaced by A.
Protein change: p.Gly68Ser; replaces glycine 68 with serine.
Molecular consequence: missense variant. On other transcripts: intron variant (1).
Genome position (GRCh38, 1-based): chr4:3,473,507, G>A. VCF-style: chr4-3473507-G-A. GRCh37 (hg19) VCF-style: chr4-3475234-G-A.
Other names: c.202G>A, p.Gly68Ser (NM_001164673.2, NM_001301071.2); c.100+9956G>A (NM_001363811.2); short protein forms G68S.
Identifiers: ClinVar variation 465684 (VCV000465684.19), dbSNP rs376509451, ClinGen allele CA2828906.
Genomic context (GRCh38, chr4:3,473,507, plus strand): 5'-ATCAAGGGCCTGCGGGAGCGCAGCAGCCTGACGCTAGAGGACATCTGCGGGCTGGAGCCC[G>A]GCCTGCCCTACGAGGGCCTGGTCCACACGCTGGCCATTGTCTGCCTGTCCCAGGCCATCA-3'
Protein context (NP_775931.3, residues 58-78): TLEDICGLEP[Gly68Ser]LPYEGLVHTL